The following is an entry in ClinVar:

ClinVar aggregate classification (germline): Pathogenic (1 of 4 stars; one submission).

Conditions:
Hypoparathyroidism-retardation-dysmorphism syndrome (HRDS). Also called: SANJAD-SAKATI SYNDROME. Identifiers: Orphanet 2323, MedGen C1855840, MONDO:0009426, OMIM 241410.

Submission:

Knight Diagnostic Laboratories, Oregon Health and Sciences University
Classification: Pathogenic for Hypoparathyroidism-retardation-dysmorphism syndrome. Last evaluated: 2016-04-08. Review status: criteria provided, single submitter. Criteria: ACMG Guidelines, 2015. Collection method: clinical testing. Allele origin: germline. Affected: no. Study: CSER-NextGen.
Comment: The heterozygous deletion of exons 3 and 4 that was detected by a single copy loss of 16 oligonucleotide probes spanning approximately 7,842 bp in the TBCE gene, Hg19 chr1: g.(235575072_235577473)_(235582954_235583424)del (NM_ 003193) has not been previously reported in an affected individual. TBCE is the only gene implicated in HRD and suggests that this disorder has a single gene etiology. The out-of-frame deletion leads to premature protein truncation. Deletions and truncation variants are common mechanisms of disease; the c.155-166del12 in the TBCE gene is considered the most common pathogenic variant for this condition (Kerkeni E et al., 2015). Based on these criteria, this CNV is interpreted at pathogenic. We have confirmed the findings using a custom exon-centric microarray.

Single allele

Gene: TBCE (tubulin folding cofactor E; plus strand). Cytogenetic location: 1q42.3.
Variant type: Deletion.
Identifiers: ClinVar variation 402240 (VCV000402240.1).